The following is an entry in ClinVar:

NM_025265.4(TSEN2):c.1336C>G (p.Gln446Glu)

Gene: TSEN2 (tRNA splicing endonuclease subunit 2; plus strand). Cytogenetic location: 3p25.2.
Variant type: single nucleotide variant.
Coding change: c.1336C>G on transcript NM_025265.4 (MANE Select); coding-DNA position 1336, C replaced by G.
Protein change: p.Gln446Glu; replaces glutamine 446 with glutamic acid.
Molecular consequence: missense variant. On other transcripts: non-coding transcript variant (1).
Genome position (GRCh38, 1-based): chr3:12,531,657, C>G. VCF-style: chr3-12531657-C-G. GRCh37 (hg19) VCF-style: chr3-12573156-C-G.
Other names: c.1336C>G, p.Gln446Glu (NM_001145392.2, NM_001321277.2, NM_001321278.2); c.1258C>G, p.Gln420Glu (NM_001145393.3, NM_001321279.2); c.1159C>G, p.Gln387Glu (NM_001145394.2); short protein forms Q420E, Q446E, Q387E.
Identifiers: ClinVar variation 1379255 (VCV001379255.5), dbSNP rs1559368262, ClinGen allele CA351478190.
Genomic context (GRCh38, chr3:12,531,657, plus strand): 5'-CCCTCTACTATGACTGACAAGGAAATGGAGTCACCAGAATGTATGAAAAGGATTAAAGTT[C>G]AGGTGGGTAAACTCAGAGAAATTCATGTCATCCCAAAGATTCTGTGAATCATAGTGTATC-3'
Protein context (NP_079541.1, residues 436-456): SPECMKRIKV[Gln446Glu]EVILSRWVSS

ClinVar aggregate classification (germline): Uncertain significance (1 of 4 stars; one submission).

Allele frequency attached by ClinVar (database versions not stated): gnomAD 0.00001.

Submission:

Labcorp Genetics (formerly Invitae), Labcorp
Classification: Uncertain significance. Last evaluated: 2021-10-13. Review status: criteria provided, single submitter. Criteria: Invitae Variant Classification Sherloc (09022015). Collection method: clinical testing. Allele origin: germline.
Comment: This sequence change replaces glutamine with glutamic acid at codon 446 of the TSEN2 protein (p.Gln446Glu). The glutamine residue is moderately conserved and there is a small physicochemical difference between glutamine and glutamic acid. This variant is not present in population databases (ExAC no frequency). This variant has not been reported in the literature in individuals affected with TSEN2-related conditions. Algorithms developed to predict the effect of missense changes on protein structure and function are either unavailable or do not agree on the potential impact of this missense change (SIFT: "Tolerated"; PolyPhen-2: "Possibly Damaging"; Align-GVGD: "Class C0"). In summary, the available evidence is currently insufficient to determine the role of this variant in disease. Therefore, it has been classified as a Variant of Uncertain Significance.